The following is an entry in ClinVar:

NM_022895.3(C12orf43):c.*3089_*3099del

Genes: C12orf43 (chromosome 12 open reading frame 43; minus strand), HNF1A (HNF1 homeobox A; plus strand). Cytogenetic location: 12q24.31.
Variant type: Deletion.
Coding change: c.*3089_*3099del on transcript NM_022895.3 (MANE Select); 3089 bases downstream of the stop codon through 3099 bases downstream of the stop codon, 11 bases deleted (CTGCAGAGGCA).
Molecular consequence: 3 prime UTR variant. On other transcripts: splice acceptor variant (3).
Genome position (GRCh38, 1-based): chr12:121,001,054-121,001,064, TGCCTCTGCAG deleted on the plus strand (CTGCAGAGGCA on the coding strand, the reverse complement: C12orf43 is on the minus strand); deleting any 11 consecutive bases within chr12:121,001,054-121,001,066 gives the same sequence; the c. name uses the placement nearest the transcript's 3' end. VCF-style (leftmost placement, unchanged base first): chr12-121001053-TTGCCTCTGCAG-T. GRCh37 (hg19) VCF-style: chr12-121438856-TTGCCTCTGCAG-T.
Other names: NM_022895.3:c.*3089_*3099del; c.*3089_*3099del (NM_001286191.2, NM_001286196.2); c.1790-9_1791del (NM_001306179.2); c.1769-9_1770del (NM_000545.8); c.1577-9_1578del (NM_001406915.1).
Identifiers: ClinVar variation 3370444 (VCV003370444.1).

ClinVar aggregate classification (germline): Likely pathogenic (3 of 4 stars; one submission).

Conditions:
Monogenic diabetes. Identifiers: Orphanet 183625, MedGen C3888631, MONDO:0015967.

Submission:

ClinGen Monogenic Diabetes Variant Curation Expert Panel
Classification: Likely pathogenic for Monogenic diabetes. Last evaluated: 2024-10-13. Review status: reviewed by expert panel. Criteria: ClinGen Diabetes ACMG Specifications HNF1A V2.1.0. Collection method: curation. Allele origin: germline. Inheritance: Autosomal dominant inheritance.
Comment: The c.1769-9_1770del variant in the HNF1 homeobox A gene, HNF1A, is predicted to remove a splice acceptor site in intron 9 of NM_000545.8. Given the predicted loss of the intron 9 acceptor site, this variant is predicted to result in the loss of exon 10 and to disrupt a significant part of the transactivation domain, a functionally important region of the protein. Even though this truncated transcript is predicted to escape nonsense mediated decay in a gene in which loss-of-function is an established mechanism of disease, there is clinical evidence that variants in this region lead to a monogenic diabetes phenotype. (PVS1_Strong; PMID: 23348805). This variant is absent from gnomAD v2.1.1 and v4.1 (PM2_Supporting). Additionally, this variant was identified in an individual with a clinical history highly specific for HNF1A-monogenic diabetes (MODY probability calculator result >50%, negative genetic testing for HNF4A, and sensitive to sulfonyureas) (PP4_Moderate; internal lab contributors). In summary, c.1769-9_1770del meets the criteria to be classified as likely pathogenic for monogenic diabetes. ACMG/AMP criteria applied, as specified by the ClinGen MDEP (specification version 2.1.1, approved 8/11/2023): PVS1_Strong, PM2_Supporting, PP4_Moderate).